The following is an entry in ClinVar:

NM_000574.5(CD55):c.900_917del (p.Val302_Thr307del)

Gene: CD55 (CD55 molecule (Cromer blood group); plus strand). Cytogenetic location: 1q32.2.
Variant type: Deletion.
Coding change: c.900_917del on transcript NM_000574.5 (MANE Select); coding-DNA positions 900 to 917, 18 bases deleted (CACAGTAAATGTTCCAAC).
Protein change: p.Val302_Thr307del.
Molecular consequence: inframe deletion. On other transcripts: non-coding transcript variant (1).
Genome position (GRCh38, 1-based): chr1:207,336,739-207,336,756, CACAGTAAATGTTCCAAC deleted; deleting any 18 consecutive bases within chr1:207,336,737-207,336,756 gives the same sequence; the c. name uses the placement nearest the transcript's 3' end. VCF-style (leftmost placement, unchanged base first): chr1-207336736-TACCACAGTAAATGTTCCA-T. GRCh37 (hg19) VCF-style: chr1-207510081-TACCACAGTAAATGTTCCA-T.
Other names: c.900_917del, p.Val302_Thr307del (NM_001114752.3, NM_001300902.2, NM_001300903.2 and 1 more transcripts).
Identifiers: ClinVar variation 1349873 (VCV001349873.34), dbSNP rs749141629, ClinGen allele CA1368128.

ClinVar aggregate classification (germline): Uncertain significance. Review status: criteria provided, multiple submitters, no conflicts (2 of 4 stars). 2 submissions from 2 submitters: Uncertain significance (2). Last evaluated 2023-04-01.

Submissions (2):

CeGaT Center for Human Genetics Tuebingen
Classification: Uncertain significance. Last evaluated: 2023-04-01. Review status: criteria provided, single submitter. Criteria: CeGaT Center For Human Genetics Tuebingen Variant Classification Criteria Version 2. Collection method: clinical testing. Allele origin: germline. Affected: yes. Observed: 1 variant allele.
Comment: CD55: PM2, PM4

Labcorp Genetics (formerly Invitae), Labcorp
Classification: Uncertain significance. Last evaluated: 2021-06-30. Review status: criteria provided, single submitter. Criteria: Invitae Variant Classification Sherloc (09022015). Collection method: clinical testing. Allele origin: germline.
Comment: This variant, c.900_917del, results in the deletion of 6 amino acid(s) of the CD55 protein (p.Val302_Thr307del), but otherwise preserves the integrity of the reading frame. The frequency data for this variant in the population databases is considered unreliable, as metrics indicate poor data quality at this position in the ExAC database. This variant has not been reported in the literature in individuals with CD55-related conditions. Experimental studies and prediction algorithms are not available or were not evaluated, and the functional significance of this variant is currently unknown. In summary, the available evidence is currently insufficient to determine the role of this variant in disease. Therefore, it has been classified as a Variant of Uncertain Significance.